The following is an entry in ClinVar:

ClinVar aggregate classification (germline): Conflicting classifications of pathogenicity. Review status: criteria provided, conflicting classifications (1 of 4 stars). 10 submissions from 6 submitters: Uncertain significance (5); Benign (1); Likely benign (4). Last evaluated 2026-06-11.

Conditions:
Congenital myasthenic syndrome 16. Identifiers: Orphanet 590, MedGen C3280112, MONDO:0013620, OMIM 614198.
Hypokalemic periodic paralysis, type 2 (HOKPP2). Identifiers: Orphanet 681, MedGen C2750061, MONDO:0013234, OMIM 613345.
Congenital myopathy 22A, classic (CMYO22A). Identifiers: MedGen C5830453, MONDO:0957247, OMIM 620351.
Congenital myopathy 22B, severe fetal (CMYO22B). Identifiers: MedGen C5830501, MONDO:0957265, OMIM 620369.
Paramyotonia congenita of Von Eulenburg. Also called: Paramyotonia Congenita; PARALYSIS PERIODICA PARAMYOTONICA; Eulenburg disease; Myotonia congenita intermittens; Von Eulenburg paramyotonia congenita. Identifiers: Orphanet 684, MedGen C0221055, MONDO:0008195, OMIM 168300. Disease mechanism: loss of function.
Hyperkalemic periodic paralysis. Also called: Familial hyperkalemic periodic paralysis; Gamstorp disease. Identifiers: Orphanet 682, MedGen C0238357, MONDO:0008224, OMIM 170500, HP:0007215.
Potassium-aggravated myotonia. Also called: Myotonia congenita, atypical, acetazolamide-responsive; MYOTONIA CONGENITA, ACETAZOLAMIDE-RESPONSIVE; MYOTONIA CONGENITA, ATYPICAL; SODIUM CHANNEL MUSCLE DISEASE. Identifiers: Orphanet 612, Orphanet 99734, Orphanet 99735, Orphanet 99736, MedGen C2931826, MONDO:0018959, OMIM 608390.
SCN4A-related disorder. Also called: SCN4A-related disorders.

Allele frequency attached by ClinVar (database versions not stated): gnomAD 0.00009; ExAC 0.00011; TOPMed 0.00009.
gnomAD v4.1: 117 of 1,613,766 alleles (0.0073%); highest among the groups gnomAD compares: Non-Finnish European, 0.0012%; no homozygotes.

Submissions (10):

PreventionGenetics, part of Exact Sciences
Classification: Uncertain significance for SCN4A-related condition. Last evaluated: 2026-06-11. Review status: criteria provided, single submitter. Criteria: ACMG Guidelines, 2015. Collection method: clinical testing. Allele origin: germline.
Comment: The SCN4A c.4886C>T variant is predicted to result in the amino acid substitution p.Pro1629Leu. This variant has been reported as a variant of uncertain significance in an individual with myotonia and intermittent dysphagia (Benhammou et al. 2017. PubMed ID: 28012096). This variant is reported in 0.31% of alleles in individuals of Ashkenazi Jewish descent in gnomAD, which may be too frequent to be a primary cause of autosomal dominant disease. Although we suspect that this variant may be benign, at this time, the clinical significance of this variant is uncertain due to the absence of conclusive functional and genetic evidence.

Labcorp Genetics (formerly Invitae), Labcorp
Classification: Likely benign for Hyperkalemic periodic paralysis. Last evaluated: 2025-11-04. Review status: criteria provided, single submitter. Criteria: Invitae Variant Classification Sherloc (09022015). Collection method: clinical testing. Allele origin: germline.

GeneDx
Classification: Uncertain significance. Last evaluated: 2025-01-23. Review status: criteria provided, single submitter. Criteria: GeneDx Variant Classification Process June 2021. Collection method: clinical testing. Allele origin: germline.
Comment: Reported previously in an individual with non-dystrophic myotonia and intermittent dysphagia in the literature; however, no segregation analysis was performed (PMID: 28012096); In silico analysis supports that this missense variant has a deleterious effect on protein structure/function; This variant is associated with the following publications: (PMID: 32129495, 28012096)

Revvity Omics, Revvity
Classification: Uncertain significance. Last evaluated: 2024-05-27. Review status: criteria provided, single submitter. Criteria: ACMG Guidelines, 2015. Collection method: clinical testing. Allele origin: germline.

Fulgent Genetics
Classification: Uncertain significance for Paramyotonia congenita of Von Eulenburg; Hyperkalemic periodic paralysis; Potassium-aggravated myotonia; Hypokalemic periodic paralysis, type 2; Congenital myasthenic syndrome 16; Congenital myopathy 22A, classic; Congenital myopathy 22B, severe fetal. Last evaluated: 2024-04-10. Review status: criteria provided, single submitter. Criteria: ACMG Guidelines, 2015. Collection method: clinical testing. Allele origin: germline.

Illumina Laboratory Services, Illumina
Classification: Uncertain significance for Congenital myasthenic syndrome 16. Last evaluated: 2018-01-13. Review status: criteria provided, single submitter. Criteria: ICSL Variant Classification Criteria 13 December 2019. Collection method: clinical testing. Allele origin: germline.

Illumina Laboratory Services, Illumina
Classification: Likely benign for Paramyotonia congenita of Von Eulenburg. Last evaluated: 2018-01-13. Review status: criteria provided, single submitter. Criteria: ICSL Variant Classification Criteria 13 December 2019. Collection method: clinical testing. Allele origin: germline.
Comment: This variant was observed in the ICSL laboratory as part of a predisposition screen in an ostensibly healthy population. It had not been previously curated by ICSL or reported in the Human Gene Mutation Database (HGMD: prior to June 1st, 2018), and was therefore a candidate for classification through an automated scoring system. Utilizing variant allele frequency, disease prevalence and penetrance estimates, and inheritance mode, an automated score was calculated to assess if this variant is too frequent to cause the disease. Based on the score and internal cut-off values, a variant classified as likely benign is not then subjected to further curation. The score for this variant resulted in a classification of likely benign for this disease.

Illumina Laboratory Services, Illumina
Classification: Benign for Potassium-aggravated myotonia. Last evaluated: 2018-01-13. Review status: criteria provided, single submitter. Criteria: ICSL Variant Classification Criteria 13 December 2019. Collection method: clinical testing. Allele origin: germline.
Comment: This variant was observed in the ICSL laboratory as part of a predisposition screen in an ostensibly healthy population. It had not been previously curated by ICSL or reported in the Human Gene Mutation Database (HGMD: prior to June 1st, 2018), and was therefore a candidate for classification through an automated scoring system. Utilizing variant allele frequency, disease prevalence and penetrance estimates, and inheritance mode, an automated score was calculated to assess if this variant is too frequent to cause the disease. Based on the score and internal cut-off values, a variant classified as benign is not then subjected to further curation. The score for this variant resulted in a classification of benign for this disease.

Illumina Laboratory Services, Illumina
Classification: Likely benign for Hypokalemic periodic paralysis, type 2. Last evaluated: 2018-01-13. Review status: criteria provided, single submitter. Criteria: ICSL Variant Classification Criteria 13 December 2019. Collection method: clinical testing. Allele origin: germline.
Comment: the same text as in the submission from Illumina Laboratory Services, Illumina above.

Illumina Laboratory Services, Illumina
Classification: Likely benign for Hyperkalemic periodic paralysis. Last evaluated: 2018-01-13. Review status: criteria provided, single submitter. Criteria: ICSL Variant Classification Criteria 13 December 2019. Collection method: clinical testing. Allele origin: germline.
Comment: the same text as in the submission from Illumina Laboratory Services, Illumina above.

NM_000334.4(SCN4A):c.4886C>T (p.Pro1629Leu)

Genes: GH-LCR (growth hormone locus control region; plus strand), SCN4A (sodium voltage-gated channel alpha subunit 4; minus strand). Cytogenetic location: 17q23.3.
Variant type: single nucleotide variant.
Coding change: c.4886C>T on transcript NM_000334.4 (MANE Select); coding-DNA position 4886, C replaced by T.
Protein change: p.Pro1629Leu; replaces proline 1629 with leucine.
Molecular consequence: missense variant.
Genome position (GRCh38, 1-based): chr17:63,941,396, G>A on the plus strand (C>T on the coding strand, the complement: SCN4A is on the minus strand). VCF-style: chr17-63941396-G-A. GRCh37 (hg19) VCF-style: chr17-62018756-G-A.
Other names: short protein forms P1629L.
Identifiers: ClinVar variation 324512 (VCV000324512.19), dbSNP rs202102815, ClinGen allele CA8708885.